The following is an entry in ClinVar:

ClinVar aggregate classification (germline): Uncertain significance (1 of 4 stars; one submission).

Conditions:
Charcot-Marie-Tooth disease axonal type 2V. Also called: CHARCOT-MARIE-TOOTH NEUROPATHY, TYPE 2V; CHARCOT-MARIE-TOOTH DISEASE, AXONAL, AUTOSOMAL DOMINANT, TYPE 2V. Identifiers: Orphanet 447964, MedGen C5569050, MONDO:0014665, OMIM 616491.
Mucopolysaccharidosis, MPS-III-B (MPS3B). Also called: N-ACETYL-ALPHA-D-GLUCOSAMINIDASE DEFICIENCY; NAGLU DEFICIENCY; SANFILIPPO SYNDROME B; MPS III B; MUCOPOLYSACCHARIDOSIS, TYPE IIIB; MPS IIIB (Sanfilippo Syndrome Type B). Identifiers: Orphanet 79270, MedGen C0086648, MONDO:0009656, OMIM 252920.

Allele frequency attached by ClinVar (database versions not stated): TOPMed below 0.00001.

Submission:

Labcorp Genetics (formerly Invitae), Labcorp
Classification: Uncertain significance for Charcot-Marie-Tooth disease axonal type 2V; Mucopolysaccharidosis, MPS-III-B. Last evaluated: 2022-02-09. Review status: criteria provided, single submitter. Criteria: Invitae Variant Classification Sherloc (09022015). Collection method: clinical testing. Allele origin: germline.
Comment: This sequence change replaces leucine, which is neutral and non-polar, with valine, which is neutral and non-polar, at codon 353 of the NAGLU protein (p.Leu353Val). This variant is not present in population databases (gnomAD no frequency). This variant has not been reported in the literature in individuals affected with NAGLU-related conditions. Advanced modeling of protein sequence and biophysical properties (such as structural, functional, and spatial information, amino acid conservation, physicochemical variation, residue mobility, and thermodynamic stability) performed at Invitae indicates that this missense variant is expected to disrupt NAGLU protein function. In summary, the available evidence is currently insufficient to determine the role of this variant in disease. Therefore, it has been classified as a Variant of Uncertain Significance.

NM_000263.4(NAGLU):c.1057C>G (p.Leu353Val)

Gene: NAGLU (N-acetyl-alpha-glucosaminidase; plus strand). Cytogenetic location: 17q21.2.
Variant type: single nucleotide variant.
Coding change: c.1057C>G on transcript NM_000263.4 (MANE Select); coding-DNA position 1057, C replaced by G.
Protein change: p.Leu353Val; replaces leucine 353 with valine.
Molecular consequence: missense variant.
Genome position (GRCh38, 1-based): chr17:42,543,063, C>G. VCF-style: chr17-42543063-C-G. GRCh37 (hg19) VCF-style: chr17-40695081-C-G.
Other names: short protein forms L353V.
Identifiers: ClinVar variation 2095646 (VCV002095646.1), dbSNP rs1417836116, ClinGen allele CA399600953.